The following is an entry in ClinVar:

NM_000179.3(MSH6):c.3954_3971dup (p.Ala1320_Lys1325dup)

Gene: MSH6 (mutS homolog 6; plus strand). Cytogenetic location: 2p16.3.
Variant type: Duplication.
Coding change: c.3954_3971dup on transcript NM_000179.3 (MANE Select); coding-DNA positions 3954 to 3971, 18 bases duplicated (AAAAGCAAGAGAATTTGA).
Protein change: p.Ala1320_Lys1325dup.
Molecular consequence: inframe insertion.
Genome position (GRCh38, 1-based): chr2:47,806,604-47,806,621, AAAAGCAAGAGAATTTGA duplicated. VCF-style (leftmost placement, unchanged base first): chr2-47806603-G-GAAAAGCAAGAGAATTTGA. GRCh37 (hg19) VCF-style: chr2-48033742-G-GAAAAGCAAGAGAATTTGA.
Other names: c.3564_3581dup, p.Ala1190_Lys1195dup (NM_001281492.2); c.3048_3065dup, p.Ala1018_Lys1023dup (NM_001281493.2, NM_001281494.2); c.3954_3971dupAAAAGCAAGAGAATTTGA (NM_000179.2).
Identifiers: ClinVar variation 919513 (VCV000919513.15), dbSNP rs1670138558, ClinGen allele CA913188052.

ClinVar aggregate classification (germline): Uncertain significance. Review status: criteria provided, multiple submitters, no conflicts (2 of 4 stars). 4 submissions from 4 submitters: Uncertain significance (4). Last evaluated 2023-08-15.

Conditions:
Lynch syndrome. Identifiers: Orphanet 144, MedGen C4552100, MONDO:0005835. Disease mechanism: loss of function.
Hereditary nonpolyposis colorectal neoplasms. Identifiers: MedGen C0009405, MeSH D003123.
Hereditary cancer-predisposing syndrome. Also called: Neoplastic Syndromes, Hereditary; Tumor predisposition; Hereditary Cancer Syndrome; Hereditary neoplastic syndrome. Identifiers: Orphanet 140162, MedGen C0027672, MeSH D009386, MONDO:0015356.

Allele frequency attached by ClinVar (database versions not stated): gnomAD exomes below 0.00001.

Submissions (4):

All of Us Research Program, National Institutes of Health
Classification: Uncertain significance for Lynch syndrome. Last evaluated: 2023-08-15. Review status: criteria provided, single submitter. Criteria: ACMG Guidelines, 2015. Collection method: clinical testing. Allele origin: germline. Inheritance: Autosomal dominant inheritance. Observed: 1 variant allele, 1 heterozygote.
Comment: This study involves interpretation of variants in research participants for the purpose of population health screening. Participant phenotype was not available at the time of variant classification. Additional details can be found in publication PMID: 35346344, PMCID: PMC8962531

Ambry Genetics
Classification: Uncertain significance for Hereditary cancer-predisposing syndrome. Last evaluated: 2021-05-05. Review status: criteria provided, single submitter. Criteria: Ambry Variant Classification Scheme 2023. Collection method: clinical testing. Allele origin: germline.
Comment: The c.3954_3971dup18 variant (also known as p.A1320_K1325dup), located in coding exon 9 of the MSH6 gene, results from an in-frame duplication of 18 nucleotides at nucleotide positions 3954 to 3971. This results in the duplication of 6 extra residues (AREFEK) between codons 1320 and 1325. This amino acid region is highly conserved through mammals but not in all available vertebrate species. In addition, this alteration is predicted to be deleterious by in silico analysis (Choi Y et al. PLoS ONE. 2012; 7(10):e46688). Since supporting evidence is limited at this time, the clinical significance of this alteration remains unclear.

Labcorp Genetics (formerly Invitae), Labcorp
Classification: Uncertain significance for Hereditary nonpolyposis colorectal neoplasms. Last evaluated: 2020-10-30. Review status: criteria provided, single submitter. Criteria: Invitae Variant Classification Sherloc (09022015). Collection method: clinical testing. Allele origin: germline.
Comment: This variant is not present in population databases (ExAC no frequency). In summary, the available evidence is currently insufficient to determine the role of this variant in disease. Therefore, it has been classified as a Variant of Uncertain Significance. Experimental studies and prediction algorithms are not available or were not evaluated for this variant, and the functional significance of the affected amino acid(s) is currently unknown. This variant has not been reported in the literature in individuals with MSH6-related conditions. This variant, c.3954_3971dup, results in the insertion of 6 amino acid(s) to the MSH6 protein (p.Ala1320_Lys1325dup), but otherwise preserves the integrity of the reading frame.

Color Diagnostics, LLC DBA Color Health
Classification: Uncertain significance for Hereditary cancer-predisposing syndrome. Last evaluated: 2019-04-08. Review status: criteria provided, single submitter. Criteria: ACMG Guidelines, 2015. Collection method: clinical testing. Allele origin: germline.